The following is an entry in ClinVar:

ClinVar aggregate classification (germline): Likely benign. Review status: criteria provided, single submitter (1 of 4 stars). 2 submissions from 2 submitters: Likely benign (1). 1 of the submissions does not count toward it. Last evaluated 2024-03-02.

Conditions:
PLEC-related disorder. Also called: PLEC-related disorders; PLEC-related condition.
Epidermolysis bullosa simplex 5B, with muscular dystrophy (EBS5B). Also called: EPIDERMOLYSIS BULLOSA SIMPLEX AND LIMB-GIRDLE MUSCULAR DYSTROPHY; Epidermolysis bullosa simplex with muscular dystrophy. Identifiers: Orphanet 257, MedGen C2931072, MONDO:0009181, OMIM 226670.
Epidermolysis bullosa simplex 5C, with pyloric atresia (EBS5C). Also called: PLEC-Related Epidermolysis Bullosa with Pyloric Atresia; Epidermolysis bullosa simplex with pyloric atresia; PLEC1-Related Epidermolysis Bullosa with Pyloric Atresia. Identifiers: Orphanet 158684, MedGen C2677349, MONDO:0012807, OMIM 612138.
Epidermolysis bullosa simplex, Ogna type (EBS5A). Also called: Pidermolysis bullosa simplex 5A, Ogna type; EPIDERMOLYSIS BULLOSA SIMPLEX 5A, OGNA TYPE. Identifiers: Orphanet 79401, MedGen C0432317, MONDO:0007555, OMIM 131950.
Epidermolysis bullosa simplex with nail dystrophy (EBS5D). Identifiers: MedGen C4225309, MONDO:0014661, OMIM 616487.
Autosomal recessive limb-girdle muscular dystrophy type 2Q (LGMDR17). Also called: MUSCULAR DYSTROPHY, LIMB-GIRDLE, AUTOSOMAL RECESSIVE 17. Identifiers: Orphanet 254361, MedGen C3150989, MONDO:0013390, OMIM 613723.

Allele frequency attached by ClinVar (database versions not stated): gnomAD exomes 0.00001; TOPMed 0.00004; gnomAD 0.00005.
gnomAD v4.1: 23 of 1,582,112 alleles (0.0015%); highest among the groups gnomAD compares: Admixed American, 0.014%; no homozygotes.

Submissions (2):

Labcorp Genetics (formerly Invitae), Labcorp
Classification: Likely benign for Autosomal recessive limb-girdle muscular dystrophy type 2Q; Epidermolysis bullosa simplex, Ogna type; Epidermolysis bullosa simplex with nail dystrophy; Epidermolysis bullosa simplex 5C, with pyloric atresia; Epidermolysis bullosa simplex 5B, with muscular dystrophy. Last evaluated: 2024-03-02. Review status: criteria provided, single submitter. Criteria: Invitae Variant Classification Sherloc (09022015). Collection method: clinical testing. Allele origin: germline.

PreventionGenetics, part of Exact Sciences
Classification: Likely benign for PLEC-related condition. Last evaluated: 2024-07-11. Review status: no assertion criteria provided. Collection method: clinical testing. Allele origin: germline. Not counted in ClinVar's aggregate classification.
Comment: This variant is classified as likely benign based on ACMG/AMP sequence variant interpretation guidelines (Richards et al. 2015 PMID: 25741868, with internal and published modifications).

NM_201384.3(PLEC):c.11613C>T (p.Gly3871=)

Gene: PLEC (plectin; minus strand). Cytogenetic location: 8q24.3.
Variant type: single nucleotide variant.
Coding change: c.11613C>T on transcript NM_201384.3 (MANE Select); coding-DNA position 11613, C replaced by T.
Protein change: p.Gly3871=; no amino-acid change (glycine 3871 retained).
Molecular consequence: synonymous variant.
Genome position (GRCh38, 1-based): chr8:143,918,208, G>A on the plus strand (C>T on the coding strand, the complement: PLEC is on the minus strand). VCF-style: chr8-143918208-G-A. GRCh37 (hg19) VCF-style: chr8-144992376-G-A.
Other names: c.11694C>T, p.Gly3898= (NM_000445.5); c.11571C>T, p.Gly3857= (NM_201378.4); c.11547C>T, p.Gly3849= (NM_201379.3); c.12024C>T, p.Gly4008= (NM_201380.4); c.11517C>T, p.Gly3839= (NM_201381.3); c.11613C>T, p.Gly3871= (NM_201382.4); c.11625C>T, p.Gly3875= (NM_201383.3); c.11694C>T (NM_000445.4).
Identifiers: ClinVar variation 1463395 (VCV001463395.9), dbSNP rs752880014, ClinGen allele CA187607407.